The following is an entry in ClinVar:

ClinVar aggregate classification (germline): Benign. Review status: criteria provided, single submitter (1 of 4 stars). 2 submissions from 2 submitters: Benign (1). 1 of the submissions does not count toward it. Last evaluated 2025-11-24.

Conditions:
XIAP-related disorder. Also called: XIAP-related condition.
X-linked lymphoproliferative disease due to XIAP deficiency. Also called: XIAP DEFICIENCY; XIAP-Related Lymphoproliferative Disease, X-Linked. Identifiers: Orphanet 2442, Orphanet 538934, MedGen C1845076, MONDO:0010385, OMIM 300635.

gnomAD v4.1: 19 of 1,204,473 alleles (0.0016%); highest among the groups gnomAD compares: Admixed American, 0.039%; no homozygotes.

Submissions (2):

Labcorp Genetics (formerly Invitae), Labcorp
Classification: Benign for X-linked lymphoproliferative disease due to XIAP deficiency. Last evaluated: 2025-11-24. Review status: criteria provided, single submitter. Criteria: Invitae Variant Classification Sherloc (09022015). Collection method: clinical testing. Allele origin: germline.

PreventionGenetics, part of Exact Sciences
Classification: Likely benign for XIAP-related condition. Last evaluated: 2022-12-13. Review status: no assertion criteria provided. Collection method: clinical testing. Allele origin: germline. Not counted in ClinVar's aggregate classification.
Comment: This variant is classified as likely benign based on ACMG/AMP sequence variant interpretation guidelines (Richards et al. 2015 PMID: 25741868, with internal and published modifications).

NM_001167.4(XIAP):c.878-5C>G

Gene: XIAP (X-linked inhibitor of apoptosis; plus strand). Cytogenetic location: Xq25.
Variant type: single nucleotide variant.
Coding change: c.878-5C>G on transcript NM_001167.4 (MANE Select); 5 bases into the intron before coding-DNA position 878, C replaced by G.
Molecular consequence: intron variant.
Genome position (GRCh38, 1-based): chrX:123,888,614, C>G. VCF-style: chrX-123888614-C-G. GRCh37 (hg19) VCF-style: chrX-123022464-C-G.
Other names: c.878-5C>G (NM_001378592.1, NM_001378591.1, NM_001204401.2 and 2 more transcripts).
Identifiers: ClinVar variation 1167303 (VCV001167303.11), dbSNP rs367801081, ClinGen allele CA10508067.
Genomic context (GRCh38, chrX:123,888,614, plus strand): 5'-TAAATGAATATTTTTGTGTAAGCTTCTAATTGCACAAATACATATATTCCTGTGTGTTTT[C>G]GTAGGTGAAGGTGATAAAGTAAAGTGCTTTCACTGTGGAGGAGGGCTAACTGATTGGAAG-3'